The following is an entry in ClinVar:

NM_004004.6(GJB2):c.3G>A (p.Met1Ile)

Gene: GJB2 (gap junction protein beta 2; minus strand). Cytogenetic location: 13q12.11.
Variant type: single nucleotide variant.
Coding change: c.3G>A on transcript NM_004004.6 (MANE Select); coding-DNA position 3, G replaced by A.
Protein change: p.Met1Ile; changes the start codon (methionine 1).
Molecular consequence: missense variant, initiator codon variant.
Genome position (GRCh38, 1-based): chr13:20,189,579, C>T on the plus strand (G>A on the coding strand, the complement: GJB2 is on the minus strand). VCF-style: chr13-20189579-C-T. GRCh37 (hg19) VCF-style: chr13-20763718-C-T.
Other names: NM_004004.6(GJB2):c.3G>A; p.Met1Ile; c.3G>A (NM_004004.5); short protein forms M1I.
Identifiers: ClinVar variation 2070085 (VCV002070085.7), dbSNP rs2500253846, ClinGen allele CA387462302.

ClinVar aggregate classification (germline): Pathogenic. Review status: reviewed by expert panel (3 of 4 stars). 3 submissions from 3 submitters: Pathogenic (1). 2 of the submissions do not count toward it. Last evaluated 2024-03-28.

Conditions:
Nonsyndromic genetic hearing loss. Also called: Nonsyndromic hearing loss and deafness; Non-syndromic genetic deafness; Nonsyndromic genetic deafness. Identifiers: Orphanet 87884, MedGen C5680182, MONDO:0019497.

Submissions (3):

ClinGen Hearing Loss Variant Curation Expert Panel
Classification: Pathogenic for Nonsyndromic genetic hearing loss. Last evaluated: 2024-03-28. Review status: reviewed by expert panel. Criteria: Clingen Hl Acmg Specifications Cdh23 Coch Gjb2 Kcnq4 Myo6 Myo7a Slc26a4 Tecta Ush2a V2. Collection method: curation. Allele origin: germline. Inheritance: Autosomal recessive inheritance.
Comment: The c.3G>A (p.Met1Ile) variant in GJB2 may cause a truncated or absent protein by altering the start codon of the coding sequence and is predicted to lead to the omission of a critical region of the protein. There have been multiple pathogenic variants observed in the region between this site and the next expected start codon (PVS1; ClinVar Variation IDs: 21387, 188758). There are also multiple pathogenic/likely pathogenic start-loss variants at this position which may indicate that this residue is critical to the function of the protein (ClinVar Variation IDs: 44729, 550716, 551915, 371781). This variant is absent from gnomAD v2.1.1 (PM2_Supporting). It was identified in 1 patient with nonsyndromic hearing loss and was assumed compound heterozygous with the pathogenic variant c.235delC, p.Leu79fs (0.5 PM3_Supporting points; ClinVar ID: 17014, PMID: 29605365). In summary, this variant meets criteria to be classified as pathogenic for autosomal recessive hearing loss based on the ACMG/AMP criteria applied as specified by the Hearing Loss Expert Panel: PVS1, PM2_Supporting, PM3_Supporting (VCEP specifications version 2; 10.18.2023).

Labcorp Genetics (formerly Invitae), Labcorp
Classification: Pathogenic. Last evaluated: 2025-08-29. Review status: criteria provided, single submitter. Criteria: Invitae Variant Classification Sherloc (09022015). Collection method: clinical testing. Allele origin: germline. Not counted in ClinVar's aggregate classification.
Comment: This sequence change affects the initiator codon of the GJB2 mRNA. This change may impact translation initiation or efficiency. The next in-frame methionine is located at codon 34. This variant is not present in population databases (gnomAD no frequency). Disruption of the initiator codon has been observed in individuals with autosomal recessive non-syndromic deafness (PMID: 9482292, 10218527, 18941476, 20146813). ClinVar contains an entry for this variant (Variation ID: 2070085). Studies have shown that disruption of the initiator codon alters GJB2 gene expression (PMID: 12189493). For these reasons, this variant has been classified as Pathogenic.

Molecular Genetics Laboratory, BC Children's and BC Women's Hospitals
Classification: Likely pathogenic for Nonsyndromic genetic hearing loss. Last evaluated: 2023-03-31. Review status: no assertion criteria provided. Criteria: ACMG Guidelines, 2015. Collection method: clinical testing. Allele origin: germline. Affected: yes. Not counted in ClinVar's aggregate classification.

Literature cited by the submitters: PubMed 9482292 (cited by Labcorp Genetics (formerly Invitae), Labcorp); PubMed 10218527 (cited by Labcorp Genetics (formerly Invitae), Labcorp); PubMed 18941476 (cited by Labcorp Genetics (formerly Invitae), Labcorp); PubMed 20146813 (cited by Labcorp Genetics (formerly Invitae), Labcorp); PubMed 12189493 (cited by Labcorp Genetics (formerly Invitae), Labcorp).